The following is an entry in ClinVar:

NM_000198.4(HSD3B2):c.223G>A (p.Val75Ile)

Gene: HSD3B2 (hydroxy-delta-5-steroid dehydrogenase, 3 beta- and steroid delta-isomerase 2; plus strand). Cytogenetic location: 1p12.
Variant type: single nucleotide variant.
Coding change: c.223G>A on transcript NM_000198.4 (MANE Select); coding-DNA position 223, G replaced by A.
Protein change: p.Val75Ile; replaces valine 75 with isoleucine.
Molecular consequence: missense variant.
Genome position (GRCh38, 1-based): chr1:119,419,498, G>A. VCF-style: chr1-119419498-G-A. GRCh37 (hg19) VCF-style: chr1-119962121-G-A.
Other names: c.223G>A, p.Val75Ile (NM_001166120.2); short protein forms V75I.
Identifiers: ClinVar variation 2281875 (VCV002281875.3), dbSNP rs765748123, ClinGen allele CA1035921.

ClinVar aggregate classification (germline): Likely benign. Review status: criteria provided, multiple submitters, no conflicts (2 of 4 stars). 2 submissions from 2 submitters: Likely benign (2). Last evaluated 2026-07-01.

Conditions:
Inborn genetic diseases. Identifiers: MedGen C0950123, MeSH D030342.

Allele frequency attached by ClinVar (database versions not stated): ExAC 0.00003; gnomAD exomes 0.00003; TOPMed 0.00008; gnomAD 0.00011.
gnomAD v4.1: 63 of 1,613,572 alleles (0.0039%); highest among the groups gnomAD compares: African/African-American, 0.027%; no homozygotes.

Submissions (2):

CeGaT Center for Human Genetics Tuebingen
Classification: Likely benign. Last evaluated: 2026-07-01. Review status: criteria provided, single submitter. Criteria: CeGaT Center For Human Genetics Tuebingen Variant Classification Criteria Version 2. Collection method: clinical testing. Allele origin: germline. Affected: yes. Observed: 1 variant allele.
Comment: HSD3B2: BP4

Ambry Genetics
Classification: Likely benign for Inborn genetic diseases. Last evaluated: 2021-12-15. Review status: criteria provided, single submitter. Criteria: Ambry Variant Classification Scheme 2023. Collection method: clinical testing. Allele origin: germline.